The following is an entry in ClinVar:

ClinVar aggregate classification (germline): Likely benign. Review status: criteria provided, multiple submitters, no conflicts (2 of 4 stars). 6 submissions from 6 submitters: Likely benign (5). 1 of the submissions does not count toward it. Last evaluated 2025-10-28.

Conditions:
Inborn genetic diseases. Identifiers: MedGen C0950123, MeSH D030342.
EHMT1-related disorder. Also called: EHMT1-related condition.
Kleefstra syndrome 1 (KLEFS1). Identifiers: Orphanet 261494, MedGen C0795833, MONDO:0027407, OMIM 610253.

Allele frequency attached by ClinVar (database versions not stated): ExAC 0.00003; gnomAD exomes 0.00004 and 0.00005; gnomAD 0.00014; TOPMed 0.00014.
gnomAD v4.1: 96 of 1,613,838 alleles (0.0059%); highest among the groups gnomAD compares: Middle Eastern, 0.099%; no homozygotes.

Submissions (6):

Labcorp Genetics (formerly Invitae), Labcorp
Classification: Likely benign for Kleefstra syndrome 1. Last evaluated: 2025-10-28. Review status: criteria provided, single submitter. Criteria: Invitae Variant Classification Sherloc (09022015). Collection method: clinical testing. Allele origin: germline.

Blueprint Genetics
Classification: Likely benign. Last evaluated: 2024-08-22. Review status: criteria provided, single submitter. Criteria: ACMG Guidelines, 2015. Collection method: clinical testing. Allele origin: germline.

CeGaT Center for Human Genetics Tuebingen
Classification: Likely benign. Last evaluated: 2024-05-01. Review status: criteria provided, single submitter. Criteria: CeGaT Center For Human Genetics Tuebingen Variant Classification Criteria Version 2. Collection method: clinical testing. Allele origin: germline. Affected: yes. Observed: 1 variant allele.
Comment: EHMT1: BP4, BP7

GeneDx
Classification: Likely benign. Last evaluated: 2019-11-12. Review status: criteria provided, single submitter. Criteria: GeneDx Variant Classification Process June 2021. Collection method: clinical testing. Allele origin: germline. Affected: yes.

Ambry Genetics
Classification: Likely benign for Inborn genetic diseases. Last evaluated: 2017-10-12. Review status: criteria provided, single submitter. Criteria: Ambry Variant Classification Scheme 2023. Collection method: clinical testing. Allele origin: germline.

PreventionGenetics, part of Exact Sciences
Classification: Likely benign for EHMT1-related condition. Last evaluated: 2019-06-11. Review status: no assertion criteria provided. Collection method: clinical testing. Allele origin: germline. Not counted in ClinVar's aggregate classification.
Comment: This variant is classified as likely benign based on ACMG/AMP sequence variant interpretation guidelines (Richards et al. 2015 PMID: 25741868, with internal and published modifications).

NM_024757.5(EHMT1):c.2922G>A (p.Thr974=)

Gene: EHMT1 (euchromatic histone lysine methyltransferase 1; plus strand). Cytogenetic location: 9q34.3.
Variant type: single nucleotide variant.
Coding change: c.2922G>A on transcript NM_024757.5 (MANE Select); coding-DNA position 2922, G replaced by A.
Protein change: p.Thr974=; no amino-acid change (threonine 974 retained).
Molecular consequence: synonymous variant.
Genome position (GRCh38, 1-based): chr9:137,813,060, G>A. VCF-style: chr9-137813060-G-A. GRCh37 (hg19) VCF-style: chr9-140707512-G-A.
Other names: c.2901G>A, p.Thr967= (NM_001354263.2).
Identifiers: ClinVar variation 366022 (VCV000366022.38), dbSNP rs748716122, ClinGen allele CA5375103.
Genomic context (GRCh38, chr9:137,813,060, plus strand): 5'-TTTTAGCCTCTTTCTTTCTCGGGATTCAGATGTCACCTTAAAGAACAAGGAAGGAGAGAC[G>A]CCCCTGCAGTGTGCGAGCCTCAACTCTCAGGTGTGGAGCGCTCTGCAGATGAGCAAGGCT-3'
Protein context (NP_079033.4, residues 964-984): DVTLKNKEGE[Thr974=]PLQCASLNSQ